The following is an entry in ClinVar:

ClinVar aggregate classification (germline): Conflicting classifications of pathogenicity. Review status: criteria provided, conflicting classifications (1 of 4 stars). 3 submissions from 3 submitters: Uncertain significance (2); Likely benign (1). Last evaluated 2024-09-21.

Conditions:
Inborn genetic diseases. Identifiers: MedGen C0950123, MeSH D030342.
Early-infantile DEE. Also called: Early infantile epileptic encephalopathy; Ohtahara syndrome; Early infantile epileptic encephalopathy with suppression bursts. Identifiers: Orphanet 1934, MedGen C0393706, MONDO:0800491.

Allele frequency attached by ClinVar (database versions not stated): gnomAD exomes below 0.00001 and 0.00001; ExAC 0.00001.
gnomAD v4.1: 4 of 1,614,208 alleles (0.00025%); highest among the groups gnomAD compares: Admixed American, 0.0033%; no homozygotes.

Submissions (3):

Labcorp Genetics (formerly Invitae), Labcorp
Classification: Uncertain significance for Early-infantile DEE. Last evaluated: 2024-09-21. Review status: criteria provided, single submitter. Criteria: Invitae Variant Classification Sherloc (09022015). Collection method: clinical testing. Allele origin: germline.
Comment: This sequence change replaces serine, which is neutral and polar, with asparagine, which is neutral and polar, at codon 1322 of the SPTAN1 protein (p.Ser1322Asn). This variant is present in population databases (rs756084170, gnomAD 0.006%). This variant has not been reported in the literature in individuals affected with SPTAN1-related conditions. ClinVar contains an entry for this variant (Variation ID: 499742). An algorithm developed to predict the effect of missense changes on protein structure and function outputs the following: PolyPhen-2: "Benign". The asparagine amino acid residue is found in multiple mammalian species, which suggests that this missense change does not adversely affect protein function. In summary, the available evidence is currently insufficient to determine the role of this variant in disease. Therefore, it has been classified as a Variant of Uncertain Significance.

Ambry Genetics
Classification: Likely benign for Inborn genetic diseases. Last evaluated: 2019-09-22. Review status: criteria provided, single submitter. Criteria: Ambry Variant Classification Scheme 2023. Collection method: clinical testing. Allele origin: germline.

Eurofins Ntd Llc (ga)
Classification: Uncertain significance. Last evaluated: 2017-01-26. Review status: criteria provided, single submitter. Criteria: EGL Classification Definitions 2015. Collection method: clinical testing. Allele origin: germline. Observed: 1 variant allele, 1 heterozygote.

NM_001130438.3(SPTAN1):c.3965G>A (p.Ser1322Asn)

Gene: SPTAN1 (spectrin alpha, non-erythrocytic 1; plus strand). Cytogenetic location: 9q34.11.
Variant type: single nucleotide variant.
Coding change: c.3965G>A on transcript NM_001130438.3 (MANE Select); coding-DNA position 3965, G replaced by A.
Protein change: p.Ser1322Asn; replaces serine 1322 with asparagine.
Molecular consequence: missense variant.
Genome position (GRCh38, 1-based): chr9:128,605,396, G>A. VCF-style: chr9-128605396-G-A. GRCh37 (hg19) VCF-style: chr9-131367675-G-A.
Other names: c.3905G>A, p.Ser1302Asn (NM_001195532.2, NM_001363765.2); c.3965G>A, p.Ser1322Asn (NM_001363759.2, NM_003127.4); short protein forms S1322N, S1302N.
Identifiers: ClinVar variation 499742 (VCV000499742.13), dbSNP rs756084170, ClinGen allele CA5265082.